The following is an entry in ClinVar:

ClinVar aggregate classification (germline): Uncertain significance (1 of 4 stars; one submission).

Submission:

Women's Health and Genetics/Laboratory Corporation of America, LabCorp
Classification: Uncertain significance. Last evaluated: 2025-04-07. Review status: criteria provided, single submitter. Criteria: LabCorp Variant Classification Summary - May 2015. Collection method: clinical testing. Allele origin: germline.
Comment: Variant summary: KMT2A c.7449C>A (p.Asn2483Lys) results in a non-conservative amino acid change in the encoded protein sequence. Three of five in-silico tools predict a damaging effect of the variant on protein function. The variant was absent in 251436 control chromosomes. The available data on variant occurrences in the general population are insufficient to allow any conclusion about variant significance. To our knowledge, no occurrence of c.7449C>A in individuals affected with Wiedemann-Steiner Syndrome and no experimental evidence demonstrating its impact on protein function have been reported. No submitters have cited clinical-significance assessments for this variant to ClinVar. Based on the evidence outlined above, the variant was classified as uncertain significance.

NM_001197104.2(KMT2A):c.7449C>A (p.Asn2483Lys)

Gene: KMT2A (lysine methyltransferase 2A; plus strand). Cytogenetic location: 11q23.3.
Variant type: single nucleotide variant.
Coding change: c.7449C>A on transcript NM_001197104.2 (MANE Select); coding-DNA position 7449, C replaced by A.
Protein change: p.Asn2483Lys; replaces asparagine 2483 with lysine.
Molecular consequence: missense variant.
Genome position (GRCh38, 1-based): chr11:118,503,341, C>A. VCF-style: chr11-118503341-C-A. GRCh37 (hg19) VCF-style: chr11-118374056-C-A.
Other names: c.7539C>A, p.Asn2513Lys (NM_001412597.1); c.7440C>A, p.Asn2480Lys (NM_005933.4); short protein forms N2480K, N2483K, N2513K.
Identifiers: ClinVar variation 3896451 (VCV003896451.2).